The following is an entry in ClinVar:

NM_000350.3(ABCA4):c.2018G>T (p.Ser673Ile)

Gene: ABCA4 (ATP binding cassette subfamily A member 4; minus strand). Cytogenetic location: 1p22.1.
Variant type: single nucleotide variant.
Coding change: c.2018G>T on transcript NM_000350.3 (MANE Select); coding-DNA position 2018, G replaced by T.
Protein change: p.Ser673Ile; replaces serine 673 with isoleucine.
Molecular consequence: missense variant.
Genome position (GRCh38, 1-based): chr1:94,060,679, C>A on the plus strand (G>T on the coding strand, the complement: ABCA4 is on the minus strand). VCF-style: chr1-94060679-C-A. GRCh37 (hg19) VCF-style: chr1-94526235-C-A.
Other names: c.2018G>T, p.Ser673Ile (NM_001425324.1); short protein forms S673I.
Identifiers: ClinVar variation 1449444 (VCV001449444.8), dbSNP rs1052151674, ClinGen allele CA341278721.

ClinVar aggregate classification (germline): Uncertain significance (1 of 4 stars; one submission).

Submission:

Labcorp Genetics (formerly Invitae), Labcorp
Classification: Uncertain significance. Last evaluated: 2022-07-05. Review status: criteria provided, single submitter. Criteria: Invitae Variant Classification Sherloc (09022015). Collection method: clinical testing. Allele origin: germline.
Comment: ClinVar contains an entry for this variant (Variation ID: 1449444). Algorithms developed to predict the effect of missense changes on protein structure and function are either unavailable or do not agree on the potential impact of this missense change (SIFT: "Tolerated"; PolyPhen-2: "Possibly Damaging"; Align-GVGD: "Class C15"). In summary, the available evidence is currently insufficient to determine the role of this variant in disease. Therefore, it has been classified as a Variant of Uncertain Significance. This sequence change replaces serine, which is neutral and polar, with isoleucine, which is neutral and non-polar, at codon 673 of the ABCA4 protein (p.Ser673Ile). This variant is not present in population databases (gnomAD no frequency). This missense change has been observed in individual(s) with clinical features of retinitis pigmentosa (Invitae).